The following is an entry in ClinVar:

ClinVar aggregate classification (germline): Likely benign. Review status: criteria provided, single submitter (1 of 4 stars). 2 submissions from 2 submitters: Likely benign (1). 1 of the submissions does not count toward it. Last evaluated 2023-03-21.

Conditions:
THOC2-related disorder. Also called: THOC2-related condition.

Allele frequency attached by ClinVar (database versions not stated): gnomAD 0.00002; gnomAD exomes 0.00003; ExAC 0.00006; TOPMed 0.00006.
gnomAD v4.1: 42 of 1,181,393 alleles (0.0036%); highest among the groups gnomAD compares: Middle Eastern, 0.047%; no homozygotes.

Submissions (2):

Blueprint Genetics
Classification: Likely benign. Last evaluated: 2023-03-21. Review status: criteria provided, single submitter. Criteria: ACMG Guidelines, 2015. Collection method: clinical testing. Allele origin: germline.

PreventionGenetics, part of Exact Sciences
Classification: Likely benign for THOC2-related condition. Last evaluated: 2019-08-08. Review status: no assertion criteria provided. Collection method: clinical testing. Allele origin: germline. Not counted in ClinVar's aggregate classification.
Comment: This variant is classified as likely benign based on ACMG/AMP sequence variant interpretation guidelines (Richards et al. 2015 PMID: 25741868, with internal and published modifications).

NM_001081550.2(THOC2):c.822A>G (p.Leu274=)

Gene: THOC2 (THO complex subunit 2; minus strand). Cytogenetic location: Xq25.
Variant type: single nucleotide variant.
Coding change: c.822A>G on transcript NM_001081550.2 (MANE Select); coding-DNA position 822, A replaced by G.
Protein change: p.Leu274=; no amino-acid change (leucine 274 retained).
Molecular consequence: synonymous variant.
Genome position (GRCh38, 1-based): chrX:123,671,708, T>C on the plus strand (A>G on the coding strand, the complement: THOC2 is on the minus strand). VCF-style: chrX-123671708-T-C. GRCh37 (hg19) VCF-style: chrX-122805559-T-C.
Identifiers: ClinVar variation 3035025 (VCV003035025.3), dbSNP rs771617419, ClinGen allele CA10507823.